The following is an entry in ClinVar:

NM_001351132.2(PEX5):c.396T>C (p.Thr132=)

Gene: PEX5 (peroxisomal biogenesis factor 5; plus strand). Cytogenetic location: 12p13.31.
Variant type: single nucleotide variant.
Coding change: c.396T>C on transcript NM_001351132.2 (MANE Select); coding-DNA position 396, T replaced by C.
Protein change: p.Thr132=; no amino-acid change (threonine 132 retained).
Molecular consequence: synonymous variant.
Genome position (GRCh38, 1-based): chr12:7,191,648, T>C. VCF-style: chr12-7191648-T-C. GRCh37 (hg19) VCF-style: chr12-7344244-T-C.
Other names: c.396T>C (NM_001131025.1); c.396T>C, p.Thr132= (NM_000319.5, NM_001131024.2, NM_001131025.2 and 19 more transcripts); c.441T>C, p.Thr147= (NM_001131023.2, NM_001351135.3, NM_001351138.2).
Identifiers: ClinVar variation 167460 (VCV000167460.16), dbSNP rs370827246, ClinGen allele CA234535.

ClinVar aggregate classification (germline): Conflicting classifications of pathogenicity. Review status: criteria provided, conflicting classifications (1 of 4 stars). 4 submissions from 4 submitters: Uncertain significance (1); Likely benign (2). 1 of the submissions does not count toward it. Last evaluated 2025-12-29.

Conditions:
PEX5-related disorder. Also called: PEX5-Related Disorders; PEX5-related condition.
Peroxisome biogenesis disorder 2B (PBD2B). Identifiers: Orphanet 44, MedGen C3550234, MONDO:0008736, OMIM 202370.

Allele frequency attached by ClinVar (database versions not stated): ExAC 0.00007; ESP Exome Variant Server 0.00008; gnomAD exomes 0.00008 and 0.00028; TOPMed 0.00015; gnomAD 0.00016.
gnomAD v4.1: 429 of 1,613,742 alleles (0.027%); highest among the groups gnomAD compares: Non-Finnish European, 0.035%; 1 homozygote.

Submissions (4):

Labcorp Genetics (formerly Invitae), Labcorp
Classification: Likely benign for Peroxisome biogenesis disorder 2B. Last evaluated: 2025-12-29. Review status: criteria provided, single submitter. Criteria: Invitae Variant Classification Sherloc (09022015). Collection method: clinical testing. Allele origin: germline.

Blueprint Genetics
Classification: Likely benign. Last evaluated: 2024-11-21. Review status: criteria provided, single submitter. Criteria: ACMG Guidelines, 2015. Collection method: clinical testing. Allele origin: germline.

Eurofins Ntd Llc (ga)
Classification: Uncertain significance. Last evaluated: 2016-09-01. Review status: criteria provided, single submitter. Criteria: EGL Classification Definitions 2015. Collection method: clinical testing. Allele origin: germline. Observed: 2 variant alleles, 2 heterozygotes.

PreventionGenetics, part of Exact Sciences
Classification: Likely benign for PEX5-related condition. Last evaluated: 2021-12-29. Review status: no assertion criteria provided. Collection method: clinical testing. Allele origin: germline. Not counted in ClinVar's aggregate classification.
Comment: This variant is classified as likely benign based on ACMG/AMP sequence variant interpretation guidelines (Richards et al. 2015 PMID: 25741868, with internal and published modifications).